The following is an entry in ClinVar:

ClinVar aggregate classification (germline): Conflicting classifications of pathogenicity. Review status: criteria provided, conflicting classifications (1 of 4 stars). 3 submissions from 3 submitters: Uncertain significance (1); Likely benign (1). 1 of the submissions does not count toward it. Last evaluated 2024-11-05.

Conditions:
Hereditary cancer-predisposing syndrome. Also called: Tumor predisposition; Hereditary Cancer Syndrome; Neoplastic Syndromes, Hereditary; Hereditary neoplastic syndrome. Identifiers: Orphanet 140162, MedGen C0027672, MeSH D009386, MONDO:0015356.
Tuberous sclerosis 2 (TSC2). Identifiers: Orphanet 805, MedGen C1860707, MONDO:0013199, OMIM 613254.
Tuberous sclerosis syndrome (TSC). Also called: Tuberous Sclerosis Complex; Tuberous sclerosis. Identifiers: Orphanet 805, MedGen C0041341, MONDO:0001734.

Submissions (3):

Labcorp Genetics (formerly Invitae), Labcorp
Classification: Uncertain significance for Tuberous sclerosis 2. Last evaluated: 2024-11-05. Review status: criteria provided, single submitter. Criteria: Invitae Variant Classification Sherloc (09022015). Collection method: clinical testing. Allele origin: germline.
Comment: This sequence change replaces histidine, which is basic and polar, with tyrosine, which is neutral and polar, at codon 522 of the TSC2 protein (p.His522Tyr). This variant is not present in population databases (gnomAD no frequency). This missense change has been observed in individual(s) with tuberous sclerosis complex (TSC) (PMID: 22903760). ClinVar contains an entry for this variant (Variation ID: 64992). Invitae Evidence Modeling of protein sequence and biophysical properties (such as structural, functional, and spatial information, amino acid conservation, physicochemical variation, residue mobility, and thermodynamic stability) indicates that this missense variant is not expected to disrupt TSC2 protein function with a negative predictive value of 95%. Experimental studies have shown that this missense change does not substantially affect TSC2 function (PMID: 22903760). In summary, the available evidence is currently insufficient to determine the role of this variant in disease. Therefore, it has been classified as a Variant of Uncertain Significance.

Ambry Genetics
Classification: Likely benign for Hereditary cancer-predisposing syndrome. Last evaluated: 2023-04-03. Review status: criteria provided, single submitter. Criteria: Ambry Variant Classification Scheme 2023. Collection method: clinical testing. Allele origin: germline.

Tuberous sclerosis database (TSC2)
No classification provided. Condition: TSC. Review status: no classification provided. Criteria: Tuberous Sclerosis Database Assertion Criteria 2015. Collection method: curation. Allele origin: germline. Affected: yes. Not counted in ClinVar's aggregate classification.

Literature cited by the submitters: PubMed 22903760 (cited by Labcorp Genetics (formerly Invitae), Labcorp and Ambry Genetics).

NM_000548.5(TSC2):c.1564C>T (p.His522Tyr)

Gene: TSC2 (TSC complex subunit 2; plus strand). Cytogenetic location: 16p13.3.
Variant type: single nucleotide variant.
Coding change: c.1564C>T on transcript NM_000548.5 (MANE Select); coding-DNA position 1564, C replaced by T.
Protein change: p.His522Tyr; replaces histidine 522 with tyrosine.
Molecular consequence: missense variant.
Genome position (GRCh38, 1-based): chr16:2,064,392, C>T. VCF-style: chr16-2064392-C-T. GRCh37 (hg19) VCF-style: chr16-2114393-C-T.
Other names: c.1564C>T, p.His522Tyr (NM_001077183.3, NM_001114382.3, NM_001363528.2 and 3 more transcripts); c.1453C>T, p.His485Tyr (NM_001318827.2); c.1417C>T, p.His473Tyr (NM_001318829.2); c.964C>T, p.His322Tyr (NM_001318831.2); c.1597C>T, p.His533Tyr (NM_001318832.2); short protein forms H522Y, H533Y, H322Y, H473Y, H485Y.
Identifiers: ClinVar variation 64992 (VCV000064992.10), dbSNP rs397514991, ClinGen allele CA015081.